The following is an entry in ClinVar:

NM_000051.4(ATM):c.1468A>T (p.Ile490Phe)

Gene: ATM (ATM serine/threonine kinase; plus strand). Cytogenetic location: 11q22.3.
Variant type: single nucleotide variant.
Coding change: c.1468A>T on transcript NM_000051.4 (MANE Select); coding-DNA position 1468, A replaced by T.
Protein change: p.Ile490Phe; replaces isoleucine 490 with phenylalanine.
Molecular consequence: missense variant.
Genome position (GRCh38, 1-based): chr11:108,250,933, A>T. VCF-style: chr11-108250933-A-T. GRCh37 (hg19) VCF-style: chr11-108121660-A-T.
Other names: c.1468A>T, p.Ile490Phe (NM_001351834.2); short protein forms I490F.
Identifiers: ClinVar variation 4618684 (VCV004618684.2).

ClinVar aggregate classification (germline): Uncertain significance. Review status: criteria provided, multiple submitters, no conflicts (2 of 4 stars). 2 submissions from 2 submitters: Uncertain significance (2). Last evaluated 2025-12-03.

Conditions:
Ataxia-telangiectasia syndrome (AT). Also called: Cerebello-oculocutaneous telangiectasia; Immunodeficiency with ataxia telangiectasia; Ataxia-telangiectasia, complementation group E; Ataxia telangiectasia (A-T); LOUIS-BAR SYNDROME; Ataxia-telangiectasia, complementation group D. Identifiers: Orphanet 100, MedGen C0004135, MONDO:0008840, OMIM 208900.
Hereditary cancer-predisposing syndrome. Also called: Hereditary neoplastic syndrome; Hereditary Cancer Syndrome; Neoplastic Syndromes, Hereditary; Tumor predisposition. Identifiers: Orphanet 140162, MedGen C0027672, MeSH D009386, MONDO:0015356.

Submissions (2):

Ambry Genetics
Classification: Uncertain significance for Hereditary cancer-predisposing syndrome. Last evaluated: 2025-12-03. Review status: criteria provided, single submitter. Criteria: Ambry Variant Classification Scheme 2023. Collection method: clinical testing. Allele origin: germline.
Comment: The p.I490F variant (also known as c.1468A>T), located in coding exon 9 of the ATM gene, results from an A to T substitution at nucleotide position 1468. The isoleucine at codon 490 is replaced by phenylalanine, an amino acid with highly similar properties. This amino acid position is not well conserved in available vertebrate species. In addition, this alteration is predicted to be tolerated by in silico analysis. Based on the available evidence, the clinical significance of this variant remains unclear.

Labcorp Genetics (formerly Invitae), Labcorp
Classification: Uncertain significance for Ataxia-telangiectasia syndrome. Last evaluated: 2025-05-01. Review status: criteria provided, single submitter. Criteria: Invitae Variant Classification Sherloc (09022015). Collection method: clinical testing. Allele origin: germline.
Comment: This sequence change replaces isoleucine, which is neutral and non-polar, with phenylalanine, which is neutral and non-polar, at codon 490 of the ATM protein (p.Ile490Phe). This variant is not present in population databases (gnomAD no frequency). This variant has not been reported in the literature in individuals affected with ATM-related conditions. Invitae Evidence Modeling of protein sequence and biophysical properties (such as structural, functional, and spatial information, amino acid conservation, physicochemical variation, residue mobility, and thermodynamic stability) indicates that this missense variant is not expected to disrupt ATM protein function with a negative predictive value of 95%. In summary, the available evidence is currently insufficient to determine the role of this variant in disease. Therefore, it has been classified as a Variant of Uncertain Significance.